The following is an entry in ClinVar:

NM_177924.5(ASAH1):c.412G>T (p.Glu138Ter)

Gene: ASAH1 (N-acylsphingosine amidohydrolase 1; minus strand). Cytogenetic location: 8p22.
Variant type: single nucleotide variant.
Coding change: c.412G>T on transcript NM_177924.5 (MANE Select); coding-DNA position 412, G replaced by T.
Protein change: p.Glu138Ter; replaces glutamic acid 138 with a stop codon.
Molecular consequence: nonsense.
Genome position (GRCh38, 1-based): chr8:18,064,502, C>A on the plus strand (G>T on the coding strand, the complement: ASAH1 is on the minus strand). VCF-style: chr8-18064502-C-A. GRCh37 (hg19) VCF-style: chr8-17922011-C-A.
Other names: c.394G>T, p.Glu132Ter (NM_001127505.3); c.217G>T, p.Glu73Ter (NM_001363743.2); c.460G>T, p.Glu154Ter (NM_004315.6); short protein forms E73*, E138*, E132*, E154*.
Identifiers: ClinVar variation 812496 (VCV000812496.6), dbSNP rs1588982399, ClinGen allele CA370431703.

ClinVar aggregate classification (germline): Pathogenic/Likely pathogenic. Review status: criteria provided, multiple submitters, no conflicts (2 of 4 stars). 2 submissions from 2 submitters: Pathogenic (1); Likely pathogenic (1). Last evaluated 2025-06-24.

Conditions:
Farber lipogranulomatosis (FRBRL). Also called: AC DEFICIENCY; ACID CERAMIDASE DEFICIENCY; CERAMIDASE DEFICIENCY; N-LAURYLSPHINGOSINE DEACYLASE DEFICIENCY; Farber's lipogranulomatosis; Farber's disease. Identifiers: Orphanet 333, MedGen C0268255, MONDO:0009218, OMIM 228000.

Allele frequency attached by ClinVar (database versions not stated): gnomAD exomes below 0.00001.
gnomAD v4.1: 5 of 1,571,074 alleles (0.00032%); highest among the groups gnomAD compares: Non-Finnish European, 0.00044%; no homozygotes.

Submissions (2):

Labcorp Genetics (formerly Invitae), Labcorp
Classification: Pathogenic. Last evaluated: 2025-06-24. Review status: criteria provided, single submitter. Criteria: Invitae Variant Classification Sherloc (09022015). Collection method: clinical testing. Allele origin: germline.
Comment: This sequence change creates a premature translational stop signal (p.Glu138*) in the ASAH1 gene. It is expected to result in an absent or disrupted protein product. Loss-of-function variants in ASAH1 are known to be pathogenic (PMID: 24164096, 24355074). This variant is not present in population databases (gnomAD no frequency). This premature translational stop signal has been observed in individual(s) with Farber disease (PMID: 11241842). ClinVar contains an entry for this variant (Variation ID: 812496). Algorithms developed to predict the effect of sequence changes on RNA splicing suggest that this variant may disrupt the consensus splice site. For these reasons, this variant has been classified as Pathogenic.

Medical Affairs, Dicerna Pharmaceuticals
Classification: Likely pathogenic for Farber lipogranulomatosis. Last evaluated: 2019-06-19. Review status: criteria provided, single submitter. Criteria: ACMG Guidelines, 2015. Collection method: literature only. Allele origin: paternal. Inheritance: Autosomal recessive inheritance. Affected: yes. Observed: 1 variant allele.
Comment: The clinical significance for this variant c.412G>T is likely pathogenic given the following reasons. Patient is described as an infant with Type 3 or mild Farber disease (Gene Reviews). Variant c.412G>T was identified by sequencing through cDNA sequencing and confirmed at the genomic level. Although functional testing has not been completed for this variant, the predicted base change would result in a substitution of glutamate 138 to a stop codon (E138X, nonsense mutation) resulting in a truncated and inactive protein.

The predicted base change would result in a substitution of glutamate 138 to a stop codon (E138X, nonsense mutation).

Literature cited by the submitters: PubMed 24164096 (cited by Labcorp Genetics (formerly Invitae), Labcorp); PubMed 24355074 (cited by Labcorp Genetics (formerly Invitae), Labcorp); PubMed 11241842 (cited by Labcorp Genetics (formerly Invitae), Labcorp); DOI 10.1002/humu.5 (cited by Medical Affairs, Dicerna Pharmaceuticals); DOI 10.1007/S004310050867 (cited by Medical Affairs, Dicerna Pharmaceuticals).